The following is an entry in ClinVar:

ClinVar aggregate classification (germline): Uncertain significance (1 of 4 stars; one submission).

Submission:

Labcorp Genetics (formerly Invitae), Labcorp
Classification: Uncertain significance. Last evaluated: 2021-02-14. Review status: criteria provided, single submitter. Criteria: Invitae Variant Classification Sherloc (09022015). Collection method: clinical testing. Allele origin: germline.
Comment: This variant has not been reported in the literature in individuals with IL6ST-related conditions. In summary, the available evidence is currently insufficient to determine the role of this variant in disease. Therefore, it has been classified as a Variant of Uncertain Significance. Algorithms developed to predict the effect of missense changes on protein structure and function are either unavailable or do not agree on the potential impact of this missense change (SIFT: "Tolerated"; PolyPhen-2: "Possibly Damaging"; Align-GVGD: "Class C0"). This variant is not present in population databases (ExAC no frequency). This sequence change replaces isoleucine with valine at codon 259 of the IL6ST protein (p.Ile259Val). The isoleucine residue is highly conserved and there is a small physicochemical difference between isoleucine and valine.

NM_002184.4(IL6ST):c.775A>G (p.Ile259Val)

Gene: IL6ST (interleukin 6 cytokine family signal transducer; minus strand). Cytogenetic location: 5q11.2.
Variant type: single nucleotide variant.
Coding change: c.775A>G on transcript NM_002184.4 (MANE Select); coding-DNA position 775, A replaced by G.
Protein change: p.Ile259Val; replaces isoleucine 259 with valine.
Molecular consequence: missense variant. On other transcripts: 5 prime UTR variant (3), non-coding transcript variant (2).
Genome position (GRCh38, 1-based): chr5:55,963,390, T>C on the plus strand (A>G on the coding strand, the complement: IL6ST is on the minus strand). VCF-style: chr5-55963390-T-C. GRCh37 (hg19) VCF-style: chr5-55259218-T-C.
Other names: c.775A>G, p.Ile259Val (NM_001190981.2, NM_001364275.2, NM_175767.3); c.565A>G, p.Ile189Val (NM_001364276.2); c.-139A>G (NM_001364277.2, NM_001364279.2); c.-129A>G (NM_001364278.2); short protein forms I259V, I189V.
Identifiers: ClinVar variation 1486856 (VCV001486856.8), dbSNP rs2111767535, ClinGen allele CA359766292.